The following is an entry in ClinVar:

ClinVar aggregate classification (germline): Uncertain significance. Review status: criteria provided, multiple submitters, no conflicts (2 of 4 stars). 2 submissions from 2 submitters: Uncertain significance (2). Last evaluated 2022-11-15.

Conditions:
Congenital myasthenic syndrome 5. Identifiers: Orphanet 590, MedGen C1864233, MONDO:0011281, OMIM 603034.

Allele frequency attached by ClinVar (database versions not stated): gnomAD below 0.00001 and 0.00002; gnomAD exomes 0.00006; ExAC 0.00008; 1000 Genomes Project 30x 0.00031; 1000 Genomes Project 0.00040.
gnomAD v4.1: 72 of 1,613,456 alleles (0.0045%); highest among the groups gnomAD compares: South Asian, 0.074%; no homozygotes.

Submissions (2):

Revvity Omics, Revvity
Classification: Uncertain significance for Congenital myasthenic syndrome 5. Last evaluated: 2022-11-15. Review status: criteria provided, single submitter. Criteria: ACMG Guidelines, 2015. Collection method: clinical testing. Allele origin: germline.

Labcorp Genetics (formerly Invitae), Labcorp
Classification: Uncertain significance for Congenital myasthenic syndrome 5. Last evaluated: 2022-03-23. Review status: criteria provided, single submitter. Criteria: Invitae Variant Classification Sherloc (09022015). Collection method: clinical testing. Allele origin: germline.
Comment: This sequence change falls in intron 11 of the COLQ gene. It does not directly change the encoded amino acid sequence of the COLQ protein. It affects a nucleotide within the consensus splice site. This variant is present in population databases (rs201550931, gnomAD 0.05%). This variant has not been reported in the literature in individuals affected with COLQ-related conditions. ClinVar contains an entry for this variant (Variation ID: 660621). Variants that disrupt the consensus splice site are a relatively common cause of aberrant splicing (PMID: 17576681, 9536098). Algorithms developed to predict the effect of sequence changes on RNA splicing suggest that this variant is not likely to affect RNA splicing. In summary, the available evidence is currently insufficient to determine the role of this variant in disease. Therefore, it has been classified as a Variant of Uncertain Significance.

Literature cited by the submitters: PubMed 17576681 (cited by Labcorp Genetics (formerly Invitae), Labcorp); PubMed 9536098 (cited by Labcorp Genetics (formerly Invitae), Labcorp).

NM_005677.4(COLQ):c.717+4A>C

Gene: COLQ (collagen like tail subunit of asymmetric acetylcholinesterase; minus strand). Cytogenetic location: 3p25.1.
Variant type: single nucleotide variant.
Coding change: c.717+4A>C on transcript NM_005677.4 (MANE Select); 4 bases into the intron after coding-DNA position 717, A replaced by C.
Molecular consequence: intron variant.
Genome position (GRCh38, 1-based): chr3:15,470,532, T>G on the plus strand (A>C on the coding strand, the complement: COLQ is on the minus strand). VCF-style: chr3-15470532-T-G. GRCh37 (hg19) VCF-style: chr3-15512039-T-G.
Other names: c.615+4A>C (NM_080539.4); c.687+4A>C (NM_080538.2).
Identifiers: ClinVar variation 660621 (VCV000660621.5), dbSNP rs201550931, ClinGen allele CA2276014.
Genomic context (GRCh38, chr3:15,470,532, plus strand): 5'-CTCCACACACTGCCAGGTCAGGAAGTTCTGACCTCAGGCGGGTGGTAAGCCCTGGGATCC[T>G]TACCTGCTTGCCTCGTTTTCCTGGTCTTCCTGTGGGTCCTCGGTGTCCTGCTATCCCAGG-3'